The following is an entry in ClinVar:

NM_005859.5(PURA):c.478A>T (p.Lys160Ter)

Gene: PURA (purine rich element binding protein A; plus strand). Cytogenetic location: 5q31.3.
Variant type: single nucleotide variant.
Coding change: c.478A>T on transcript NM_005859.5 (MANE Select); coding-DNA position 478, A replaced by T.
Protein change: p.Lys160Ter; replaces lysine 160 with a stop codon.
Molecular consequence: nonsense.
Genome position (GRCh38, 1-based): chr5:140,114,659, A>T. VCF-style: chr5-140114659-A-T. GRCh37 (hg19) VCF-style: chr5-139494244-A-T.
Other names: short protein forms K160*.
Identifiers: ClinVar variation 2971465 (VCV002971465.3), dbSNP rs2126749118, ClinGen allele CA361490861.

ClinVar aggregate classification (germline): Pathogenic (1 of 4 stars; one submission).

Conditions:
PURA-related severe neonatal hypotonia-seizures-encephalopathy syndrome (NEDRIHF). Also called: NEURODEVELOPMENTAL DISORDER WITH NEONATAL RESPIRATORY INSUFFICIENCY, HYPOTONIA, AND FEEDING DIFFICULTIES; PURA-Related Neurodevelopmental Disorders. Identifiers: Orphanet 438213, Orphanet 438216, MedGen C4015357, MONDO:1060108, OMIM 616158, MONDO:0018580.

Submission:

Labcorp Genetics (formerly Invitae), Labcorp
Classification: Pathogenic for PURA-related severe neonatal hypotonia-seizures-encephalopathy syndrome. Last evaluated: 2025-04-23. Review status: criteria provided, single submitter. Criteria: Invitae Variant Classification Sherloc (09022015). Collection method: clinical testing. Allele origin: germline.
Comment: This sequence change creates a premature translational stop signal (p.Lys160*) in the PURA gene. While this is not anticipated to result in nonsense mediated decay, it is expected to disrupt the last 163 amino acid(s) of the PURA protein. This variant is not present in population databases (gnomAD no frequency). This premature translational stop signal has been observed in individual(s) with PURA syndrome (PMID: 29097605). In at least one individual the variant was observed to be de novo. ClinVar contains an entry for this variant (Variation ID: 2971465). This variant disrupts a region of the PURA protein in which other variant(s) (p.Thr310Asnfs*7) have been determined to be pathogenic (internal data). This suggests that this is a clinically significant region of the protein, and that variants that disrupt it are likely to be disease-causing. For these reasons, this variant has been classified as Pathogenic.

Literature cited by the submitters: PubMed 29097605.